The following is an entry in ClinVar:

ClinVar aggregate classification (germline): Uncertain significance. Review status: criteria provided, multiple submitters, no conflicts (2 of 4 stars). 2 submissions from 2 submitters: Uncertain significance (2). Last evaluated 2025-05-30.

Conditions:
Hyperkalemic periodic paralysis. Also called: Familial hyperkalemic periodic paralysis; Gamstorp disease. Identifiers: Orphanet 682, MedGen C0238357, MONDO:0008224, OMIM 170500, HP:0007215.

Allele frequency attached by ClinVar (database versions not stated): ExAC 0.00001; gnomAD 0.00002; TOPMed 0.00002.
gnomAD v4.1: 7 of 1,613,872 alleles (0.00043%); highest among the groups gnomAD compares: South Asian, 0.0044%; no homozygotes.

Submissions (2):

Revvity Omics, Revvity
Classification: Uncertain significance. Last evaluated: 2025-05-30. Review status: criteria provided, single submitter. Criteria: ACMG Guidelines, 2015. Collection method: clinical testing. Allele origin: germline.

Labcorp Genetics (formerly Invitae), Labcorp
Classification: Uncertain significance for Hyperkalemic periodic paralysis. Last evaluated: 2023-11-19. Review status: criteria provided, single submitter. Criteria: Invitae Variant Classification Sherloc (09022015). Collection method: clinical testing. Allele origin: germline.
Comment: This sequence change replaces methionine, which is neutral and non-polar, with isoleucine, which is neutral and non-polar, at codon 448 of the SCN4A protein (p.Met448Ile). This variant is present in population databases (rs746055152, gnomAD 0.007%). This variant has not been reported in the literature in individuals affected with SCN4A-related conditions. Advanced modeling of protein sequence and biophysical properties (such as structural, functional, and spatial information, amino acid conservation, physicochemical variation, residue mobility, and thermodynamic stability) has been performed at Invitae for this missense variant, however the output from this modeling did not meet the statistical confidence thresholds required to predict the impact of this variant on SCN4A protein function. In summary, the available evidence is currently insufficient to determine the role of this variant in disease. Therefore, it has been classified as a Variant of Uncertain Significance.

NM_000334.4(SCN4A):c.1344G>A (p.Met448Ile)

Gene: SCN4A (sodium voltage-gated channel alpha subunit 4; minus strand). Cytogenetic location: 17q23.3.
Variant type: single nucleotide variant.
Coding change: c.1344G>A on transcript NM_000334.4 (MANE Select); coding-DNA position 1344, G replaced by A.
Protein change: p.Met448Ile; replaces methionine 448 with isoleucine.
Molecular consequence: missense variant.
Genome position (GRCh38, 1-based): chr17:63,964,576, C>T on the plus strand (G>A on the coding strand, the complement: SCN4A is on the minus strand). VCF-style: chr17-63964576-C-T. GRCh37 (hg19) VCF-style: chr17-62041936-C-T.
Other names: short protein forms M448I.
Identifiers: ClinVar variation 2913566 (VCV002913566.4), dbSNP rs746055152, ClinGen allele CA8709863.